The following is an entry in ClinVar:

ClinVar aggregate classification (germline): Uncertain significance. Review status: criteria provided, multiple submitters, no conflicts (2 of 4 stars). 2 submissions from 2 submitters: Uncertain significance (2). Last evaluated 2023-07-17.

Conditions:
Intellectual disability, autosomal dominant 14 (CSS2). Also called: COFFIN-SIRIS SYNDROME 2. Identifiers: Orphanet 1465, MedGen C3553247, MONDO:0013819, OMIM 614607.

Allele frequency attached by ClinVar (database versions not stated): gnomAD exomes below 0.00001; gnomAD 0.00001.
gnomAD v4.1: 3 of 1,323,150 alleles (0.00023%); highest among the groups gnomAD compares: East Asian, 0.0062%; no homozygotes.

Submissions (2):

Victorian Clinical Genetics Services, Murdoch Childrens Research Institute
Classification: Uncertain significance for Intellectual disability, autosomal dominant 14. Last evaluated: 2023-07-17. Review status: criteria provided, single submitter. Criteria: ACMG Guidelines, 2015. Collection method: clinical testing. Allele origin: germline. Inheritance: Autosomal dominant inheritance. Affected: yes.
Comment: Based on the classification scheme VCGS_Germline_v1.3.4, this variant is classified as VUS-3C. Following criteria are met: 0102 - Loss of function is a known mechanism of disease in this gene and is associated with Coffin-Siris syndrome 2 (MIM#614607). (I) 0107 - This gene is associated with autosomal dominant disease. (I) 0200 - Variant is predicted to result in a missense amino acid change from serine to glycine. (I) 0251 - This variant is heterozygous. (I) 0302 - Variant is present in gnomAD (v3) <0.001 for a dominant condition (1 heterozygote, 0 homozygotes). (SP) 0504 - Same amino acid change has been observed in placental mammals. (SB) 0604 - Variant is not located in an established domain, motif, hotspot or informative constraint region. (I) 0705 - No comparable missense variants have previous evidence for pathogenicity. (I) 0807 - This variant has no previous evidence of pathogenicity. (I) 0905 - No published segregation evidence has been identified for this variant. (I) 1007 - No published functional evidence has been identified for this variant. (I) 1208 - Inheritance information for this variant is not currently available in this individual. (I) Legend: (SP) - Supporting pathogenic, (I) - Information, (SB) - Supporting benign

Labcorp Genetics (formerly Invitae), Labcorp
Classification: Uncertain significance. Last evaluated: 2023-07-02. Review status: criteria provided, single submitter. Criteria: Invitae Variant Classification Sherloc (09022015). Collection method: clinical testing. Allele origin: germline.
Comment: This variant has not been reported in the literature in individuals affected with ARID1A-related conditions. This variant is not present in population databases (gnomAD no frequency). This sequence change replaces serine, which is neutral and polar, with glycine, which is neutral and non-polar, at codon 317 of the ARID1A protein (p.Ser317Gly). ClinVar contains an entry for this variant (Variation ID: 2175153). In summary, the available evidence is currently insufficient to determine the role of this variant in disease. Therefore, it has been classified as a Variant of Uncertain Significance. Advanced modeling of protein sequence and biophysical properties (such as structural, functional, and spatial information, amino acid conservation, physicochemical variation, residue mobility, and thermodynamic stability) performed at Invitae indicates that this missense variant is not expected to disrupt ARID1A protein function.

NM_006015.6(ARID1A):c.949A>G (p.Ser317Gly)

Genes: ARID1A (AT-rich interaction domain 1A; plus strand), LOC129929837 (ATAC-STARR-seq lymphoblastoid silent region 489; plus strand). Cytogenetic location: 1p36.11.
Variant type: single nucleotide variant.
Coding change: c.949A>G on transcript NM_006015.6 (MANE Select); coding-DNA position 949, A replaced by G.
Protein change: p.Ser317Gly; replaces serine 317 with glycine.
Molecular consequence: missense variant.
Genome position (GRCh38, 1-based): chr1:26,697,352, A>G. VCF-style: chr1-26697352-A-G. GRCh37 (hg19) VCF-style: chr1-27023843-A-G.
Other names: c.949A>G, p.Ser317Gly (NM_139135.4); short protein forms S317G.
Identifiers: ClinVar variation 2175153 (VCV002175153.5), dbSNP rs2080280726, ClinGen allele CA339266866.